The following is an entry in ClinVar:

ClinVar aggregate classification (germline): Benign. Review status: criteria provided, multiple submitters, no conflicts (2 of 4 stars). 3 submissions from 2 submitters: Benign (3). Last evaluated 2018-01-12.

Conditions:
3-Methylglutaconic aciduria type 3 (MGCA3). Also called: OPA3, AUTOSOMAL RECESSIVE; OPTIC ATROPHY 3, AUTOSOMAL RECESSIVE; Costeff Syndrome; OPA3-Related 3-Methylglutaconic Aciduria. Identifiers: Orphanet 67047, MedGen C0574084, MONDO:0009787, OMIM 258501.
Optic atrophy 3 (OPA3). Also called: OPTIC ATROPHY 3, AUTOSOMAL DOMINANT; Optic atrophy, cataract, and neurologic disorder; Optic atrophy 3 with cataract. Identifiers: Orphanet 67036, MedGen C1833809, MONDO:0008133, OMIM 165300.

Allele frequency attached by ClinVar (database versions not stated): gnomAD exomes 0.63852; gnomAD 0.69742 and 0.69905; TOPMed 0.70466; 1000 Genomes Project 30x 0.75671; 1000 Genomes Project 0.76018.
gnomAD v4.1: 544,942 of 838,986 alleles (65%); highest among the groups gnomAD compares: East Asian, 87%; 178,513 homozygotes.

Submissions (3):

Illumina Laboratory Services, Illumina
Classification: Benign for Optic atrophy 3. Last evaluated: 2018-01-12. Review status: criteria provided, single submitter. Criteria: ICSL Variant Classification Criteria 13 December 2019. Collection method: clinical testing. Allele origin: germline.
Comment: This variant was observed in the ICSL laboratory as part of a predisposition screen in an ostensibly healthy population. It had not been previously curated by ICSL or reported in the Human Gene Mutation Database (HGMD: prior to June 1st, 2018), and was therefore a candidate for classification through an automated scoring system. Utilizing variant allele frequency, disease prevalence and penetrance estimates, and inheritance mode, an automated score was calculated to assess if this variant is too frequent to cause the disease. Based on the score and internal cut-off values, a variant classified as benign is not then subjected to further curation. The score for this variant resulted in a classification of benign for this disease.

Illumina Laboratory Services, Illumina
Classification: Benign for 3-Methylglutaconic aciduria type 3. Last evaluated: 2018-01-12. Review status: criteria provided, single submitter. Criteria: ICSL Variant Classification Criteria 13 December 2019. Collection method: clinical testing. Allele origin: germline.
Comment: the same text as in the submission from Illumina Laboratory Services, Illumina above.

Breakthrough Genomics
Classification: Benign. Review status: criteria provided, single submitter. Criteria: ACMG Guidelines, 2015. Collection method: not provided. Allele origin: germline. Inheritance: Autosomal recessive inheritance. Affected: yes.

NM_025136.4(OPA3):c.*3387G>A

Genes: OPA3 (outer mitochondrial membrane lipid metabolism regulator OPA3; minus strand), OPA3-RTN2 (OPA3-RTN2 readthrough; minus strand). Cytogenetic location: 19q13.32.
Variant type: single nucleotide variant.
Coding change: c.*3387G>A on transcript NM_025136.4 (MANE Select); 3387 bases downstream of the stop codon, G replaced by A.
Molecular consequence: 3 prime UTR variant. On other transcripts: intron variant (1).
Genome position (GRCh38, 1-based): chr19:45,550,127, C>T on the plus strand (G>A on the coding strand, the complement: OPA3 is on the minus strand). VCF-style: chr19-45550127-C-T. GRCh37 (hg19) VCF-style: chr19-46053385-C-T.
Other names: c.143-20671G>A (NM_001017989.3).
Identifiers: ClinVar variation 329624 (VCV000329624.6), dbSNP rs3760844, ClinGen allele CA10652125.
Genomic context (GRCh38, chr19:45,550,127, plus strand): 5'-ATCATTGGTTGAGCCTGGGAGGTAGAAGTTGCAGTGAGCCGAGATTGCACCACTGCACTC[C>T]GTCAGGGTGACGGAGCTAGACTGTCTCCGAAAGAAAAGAAAAGAAAAAAGAAGAGAAAAG-3'